The following is an entry in ClinVar:

ClinVar aggregate classification (germline): Pathogenic (1 of 4 stars; one submission).

Conditions:
Autosomal recessive polycystic kidney disease (ARPKD). Also called: AR polycystic kidney disease. Identifiers: Orphanet 731, Orphanet 8378, MedGen C0085548, MeSH D017044, MONDO:0009889.

Submission:

Labcorp Genetics (formerly Invitae), Labcorp
Classification: Pathogenic for Autosomal recessive polycystic kidney disease. Last evaluated: 2022-05-12. Review status: criteria provided, single submitter. Criteria: Invitae Variant Classification Sherloc (09022015). Collection method: clinical testing. Allele origin: germline.
Comment: This variant is a gross deletion of the genomic region encompassing exon(s) 15 of the PKHD1 gene. This deletion is out-of-frame, and is expected to create a premature termination codon and result in an absent or disrupted protein product. Loss-of-function variants in PKHD1 are known to be pathogenic (PMID: 19940839). This variant has not been reported in the literature in individuals affected with PKHD1-related conditions. For these reasons, this variant has been classified as Pathogenic.

Literature cited by the submitters: PubMed 19940839.

NC_000006.11:g.(?_51924716)_(51924850_?)del

Gene: PKHD1 (PKHD1 ciliary IPT domain containing fibrocystin/polyductin; minus strand). Cytogenetic location: 6p12.2.
Variant type: Deletion.
Identifiers: ClinVar variation 2427248 (VCV002427248.5).